The following is an entry in ClinVar:

ClinVar aggregate classification (germline): Uncertain significance (1 of 4 stars; one submission).

Submission:

Labcorp Genetics (formerly Invitae), Labcorp
Classification: Uncertain significance. Last evaluated: 2024-06-03. Review status: criteria provided, single submitter. Criteria: Invitae Variant Classification Sherloc (09022015). Collection method: clinical testing. Allele origin: germline.
Comment: This sequence change replaces glutamic acid, which is acidic and polar, with lysine, which is basic and polar, at codon 252 of the ACAN protein (p.Glu252Lys). This variant is not present in population databases (gnomAD no frequency). This variant has not been reported in the literature in individuals affected with ACAN-related conditions. Advanced modeling of protein sequence and biophysical properties (such as structural, functional, and spatial information, amino acid conservation, physicochemical variation, residue mobility, and thermodynamic stability) performed at Invitae indicates that this missense variant is not expected to disrupt ACAN protein function with a negative predictive value of 80%. In summary, the available evidence is currently insufficient to determine the role of this variant in disease. Therefore, it has been classified as a Variant of Uncertain Significance.

NM_001369268.1(ACAN):c.754G>A (p.Glu252Lys)

Gene: ACAN (aggrecan; plus strand). Cytogenetic location: 15q26.1.
Variant type: single nucleotide variant.
Coding change: c.754G>A on transcript NM_001369268.1 (MANE Select); coding-DNA position 754, G replaced by A.
Protein change: p.Glu252Lys; replaces glutamic acid 252 with lysine.
Molecular consequence: missense variant.
Genome position (GRCh38, 1-based): chr15:88,841,864, G>A. VCF-style: chr15-88841864-G-A. GRCh37 (hg19) VCF-style: chr15-89385095-G-A.
Other names: c.754G>A, p.Glu252Lys (NM_001135.4, NM_001411096.1, NM_001411097.1 and 1 more transcripts); short protein forms E252K.
Identifiers: ClinVar variation 3681783 (VCV003681783.2).